The following is an entry in ClinVar:

NM_000439.5(PCSK1):c.1656C>T (p.Asp552=)

Genes: CAST (calpastatin; plus strand), PCSK1 (proprotein convertase subtilisin/kexin type 1; minus strand), LOC101929710 (uncharacterized LOC101929710; plus strand). Cytogenetic location: 5q15.
Variant type: single nucleotide variant.
Coding change: c.1656C>T on transcript NM_000439.5 (MANE Select); coding-DNA position 1656, C replaced by T.
Protein change: p.Asp552=; no amino-acid change (aspartic acid 552 retained).
Molecular consequence: synonymous variant. On other transcripts: intron variant (11).
Genome position (GRCh38, 1-based): chr5:96,397,402, G>A on the plus strand (C>T on the coding strand, the complement: PCSK1 is on the minus strand). VCF-style: chr5-96397402-G-A. GRCh37 (hg19) VCF-style: chr5-95733106-G-A.
Other names: c.1515C>T, p.Asp505= (NM_001177875.2); c.-175+17750G>A (NM_001423254.1, NM_001423259.1, NM_001423255.1 and 6 more transcripts); c.-103+17750G>A (NM_001423253.1); c.-40+17750G>A (NM_001423258.1).
Identifiers: ClinVar variation 4991214 (VCV004991214.1).

ClinVar aggregate classification (germline): Likely benign (1 of 4 stars; one submission).

Conditions:
PCSK1-related disorder. Also called: PCSK1-related condition.

Submission:

PreventionGenetics, part of Exact Sciences
Classification: Likely benign for PCSK1-related condition. Last evaluated: 2026-08-18. Review status: criteria provided, single submitter. Criteria: ACMG Guidelines, 2015. Collection method: clinical testing. Allele origin: germline.
Comment: This variant is classified as likely benign based on ACMG/AMP sequence variant interpretation guidelines (Richards et al. 2015 PMID: 25741868, with internal and published modifications).